The following is an entry in ClinVar:

ClinVar aggregate classification (germline): Uncertain significance (1 of 4 stars; one submission).

Conditions:
Familial cancer of breast. Also called: BREAST CANCER, FAMILIAL; hereditary breast carcinoma; Hereditary breast cancer. Identifiers: Orphanet 227535, MedGen C0346153, MONDO:0016419, OMIM 114480. Disease mechanism: loss of function.

Submission:

Labcorp Genetics (formerly Invitae), Labcorp
Classification: Uncertain significance for Familial cancer of breast. Last evaluated: 2022-02-10. Review status: criteria provided, single submitter. Criteria: Invitae Variant Classification Sherloc (09022015). Collection method: clinical testing. Allele origin: germline.
Comment: This variant is not present in population databases (gnomAD no frequency). This variant has not been reported in the literature in individuals affected with PALB2-related conditions. ClinVar contains an entry for this variant (Variation ID: 578549). Algorithms developed to predict the effect of missense changes on protein structure and function (SIFT, PolyPhen-2, Align-GVGD) all suggest that this variant is likely to be tolerated. In summary, the available evidence is currently insufficient to determine the role of this variant in disease. Therefore, it has been classified as a Variant of Uncertain Significance. This sequence change replaces glutamic acid, which is acidic and polar, with aspartic acid, which is acidic and polar, at codon 495 of the PALB2 protein (p.Glu495Asp).

NM_024675.4(PALB2):c.1485A>T (p.Glu495Asp)

Gene: PALB2 (partner and localizer of BRCA2; minus strand). Cytogenetic location: 16p12.2.
Variant type: single nucleotide variant.
Coding change: c.1485A>T on transcript NM_024675.4 (MANE Select); coding-DNA position 1485, A replaced by T.
Protein change: p.Glu495Asp; replaces glutamic acid 495 with aspartic acid.
Molecular consequence: missense variant.
Genome position (GRCh38, 1-based): chr16:23,635,061, T>A on the plus strand (A>T on the coding strand, the complement: PALB2 is on the minus strand). VCF-style: chr16-23635061-T-A. GRCh37 (hg19) VCF-style: chr16-23646382-T-A.
Other names: short protein forms E495D.
Identifiers: ClinVar variation 578549 (VCV000578549.9), dbSNP rs1567220888, ClinGen allele CA395131117.